The following is an entry in ClinVar:

NM_000368.5(TSC1):c.2814-19G>A

Gene: TSC1 (TSC complex subunit 1; minus strand). Cytogenetic location: 9q34.13.
Variant type: single nucleotide variant.
Coding change: c.2814-19G>A on transcript NM_000368.5 (MANE Select); 19 bases into the intron before coding-DNA position 2814, G replaced by A.
Molecular consequence: intron variant.
Genome position (GRCh38, 1-based): chr9:132,897,364, C>T on the plus strand (G>A on the coding strand, the complement: TSC1 is on the minus strand). VCF-style: chr9-132897364-C-T. GRCh37 (hg19) VCF-style: chr9-135772751-C-T.
Other names: c.2451-19G>A (NM_001362177.2); c.2661-19G>A (NM_001162427.2); c.2811-19G>A (NM_001162426.2).
Identifiers: ClinVar variation 1538178 (VCV001538178.9), dbSNP rs2131629351, ClinGen allele CA2573144367.

ClinVar aggregate classification (germline): Likely benign. Review status: criteria provided, multiple submitters, no conflicts (2 of 4 stars). 2 submissions from 2 submitters: Likely benign (2). Last evaluated 2025-04-29.

Conditions:
Tuberous sclerosis 1 (TSC1). Identifiers: Orphanet 805, MedGen C1854465, MONDO:0008612, OMIM 191100.

Submissions (2):

Myriad Genetics, Inc.
Classification: Likely benign for Tuberous sclerosis 1. Last evaluated: 2025-04-29. Review status: criteria provided, single submitter. Criteria: Myriad Autosomal Dominant, Autosomal Recessive and X-Linked Classification Criteria (2023). Collection method: clinical testing. Allele origin: unknown.
Comment: This variant is considered likely benign. This variant is intronic and is not expected to impact mRNA splicing.

Labcorp Genetics (formerly Invitae), Labcorp
Classification: Likely benign for Tuberous sclerosis 1. Last evaluated: 2021-03-02. Review status: criteria provided, single submitter. Criteria: Invitae Variant Classification Sherloc (09022015). Collection method: clinical testing. Allele origin: germline.